The following is an entry in ClinVar:

ClinVar aggregate classification (germline): Uncertain significance. Review status: criteria provided, multiple submitters, no conflicts (2 of 4 stars). 2 submissions from 2 submitters: Uncertain significance (2). Last evaluated 2024-10-03.

Conditions:
Pheochromocytoma. Also called: MAX-Related Hereditary Paraganglioma-Pheochromocytoma Syndrome. Identifiers: Orphanet 29072, MedGen C0031511, MONDO:0008233, OMIM 171300, HP:0002666.
Cowden syndrome 3 (CWS3). Identifiers: Orphanet 201, MedGen CN166604, MONDO:0014045.
Carney-Stratakis syndrome. Also called: PARAGANGLIOMA AND GASTROINTESTINAL STROMAL TUMOR. Identifiers: Orphanet 97286, MedGen C1847319, MONDO:0011740, OMIM 606864.
Paragangliomas with sensorineural hearing loss. Identifiers: MedGen C1868633.

Submissions (2):

Quest Diagnostics Nichols Institute San Juan Capistrano
Classification: Uncertain significance. Last evaluated: 2024-10-03. Review status: criteria provided, single submitter. Criteria: Quest Diagnostics criteria. Collection method: clinical testing. Allele origin: unknown.
Comment: The SDHD c.10C>A (p.Leu4Ile) variant has not been reported in individuals with SDHD-related conditions in the published literature. It also has not been reported in large, multi-ethnic general populations (Genome Aggregation Database). Analysis of this variant using bioinformatics tools for the prediction of the effect of amino acid changes on protein structure and function yielded predictions that this variant is benign. Based on the available information, we are unable to determine the clinical significance of this variant.

Labcorp Genetics (formerly Invitae), Labcorp
Classification: Uncertain significance for Carney-Stratakis syndrome; Paragangliomas with sensorineural hearing loss; Pheochromocytoma; Cowden syndrome 3. Last evaluated: 2023-10-29. Review status: criteria provided, single submitter. Criteria: Invitae Variant Classification Sherloc (09022015). Collection method: clinical testing. Allele origin: germline.
Comment: This sequence change replaces leucine, which is neutral and non-polar, with isoleucine, which is neutral and non-polar, at codon 4 of the SDHD protein (p.Leu4Ile). This variant is not present in population databases (gnomAD no frequency). This variant has not been reported in the literature in individuals affected with SDHD-related conditions. Advanced modeling of protein sequence and biophysical properties (such as structural, functional, and spatial information, amino acid conservation, physicochemical variation, residue mobility, and thermodynamic stability) performed at Invitae indicates that this missense variant is not expected to disrupt SDHD protein function with a negative predictive value of 95%. In summary, the available evidence is currently insufficient to determine the role of this variant in disease. Therefore, it has been classified as a Variant of Uncertain Significance.

NM_003002.4(SDHD):c.10C>A (p.Leu4Ile)

Genes: SDHD (succinate dehydrogenase complex subunit D; plus strand), LOC126861339 (BRD4-independent group 4 enhancer GRCh37_chr11:111957035-111958234; plus strand). Cytogenetic location: 11q23.1.
Variant type: single nucleotide variant.
Coding change: c.10C>A on transcript NM_003002.4 (MANE Select); coding-DNA position 10, C replaced by A.
Protein change: p.Leu4Ile; replaces leucine 4 with isoleucine.
Molecular consequence: missense variant. On other transcripts: non-coding transcript variant (1).
Genome position (GRCh38, 1-based): chr11:112,086,917, C>A. VCF-style: chr11-112086917-C-A. GRCh37 (hg19) VCF-style: chr11-111957641-C-A.
Other names: c.10C>A (NM_003002.3); c.10C>A, p.Leu4Ile (NM_001276503.2, NM_001276504.2, NM_001276506.2); short protein forms L4I.
Identifiers: ClinVar variation 2940872 (VCV002940872.4), dbSNP rs1032016970, ClinGen allele CA382616630.